The following is an entry in ClinVar:

NM_152773.5(DYNLT2B):c.113+2_113+4dup

Genes: DYNLT2B (dynein light chain Tctex-type 2B; minus strand), TM4SF19-DYNLT2B (TM4SF19-DYNLT2B readthrough (NMD candidate); minus strand). Cytogenetic location: 3q29.
Variant type: Duplication.
Coding change: c.113+2_113+4dup on transcript NM_152773.5 (MANE Select); the canonical splice donor site of the intron after coding-DNA position 113 through 4 bases into the intron after coding-DNA position 113, 3 bases duplicated (CGG; older notation c.113+2_113+4dupCGG).
Molecular consequence: splice donor variant.
Genome position (GRCh38, 1-based): chr3:196,318,036-196,318,038, CCG duplicated on the plus strand (CGG on the coding strand, the reverse complement: DYNLT2B is on the minus strand); duplicating any 3 consecutive bases within chr3:196,318,036-196,318,040 gives the same sequence; the c. name uses the placement nearest the transcript's 3' end. VCF-style (leftmost placement, unchanged base first): chr3-196318035-C-CCCG. GRCh37 (hg19) VCF-style: chr3-196044906-C-CCCG.
Other names: c.113+2_113+4dup (NM_001351628.2).
Identifiers: ClinVar variation 1949611 (VCV001949611.5), dbSNP rs2474104296, ClinGen allele CA2580070589.

ClinVar aggregate classification (germline): Uncertain significance (1 of 4 stars; one submission).

Submission:

Labcorp Genetics (formerly Invitae), Labcorp
Classification: Uncertain significance. Last evaluated: 2024-02-19. Review status: criteria provided, single submitter. Criteria: Invitae Variant Classification Sherloc (09022015). Collection method: clinical testing. Allele origin: germline.
Comment: This sequence change falls in intron 1 of the TCTEX1D2 gene. It does not directly change the encoded amino acid sequence of the TCTEX1D2 protein. It affects a nucleotide within the consensus splice site. This variant is not present in population databases (gnomAD no frequency). This variant has not been reported in the literature in individuals affected with TCTEX1D2-related conditions. ClinVar contains an entry for this variant (Variation ID: 1949611). Variants that disrupt the consensus splice site are a relatively common cause of aberrant splicing (PMID: 17576681, 9536098). Algorithms developed to predict the effect of sequence changes on RNA splicing suggest that this variant may disrupt the consensus splice site. In summary, the available evidence is currently insufficient to determine the role of this variant in disease. Therefore, it has been classified as a Variant of Uncertain Significance.

Literature cited by the submitters: PubMed 17576681; PubMed 9536098.